The following is an entry in ClinVar:

ClinVar aggregate classification (germline): Uncertain significance (1 of 4 stars; one submission).

gnomAD v4.1: 1 of 1,582,400 alleles (0.000063%); highest among the groups gnomAD compares: South Asian, 0.0011%; no homozygotes.

Submission:

GeneDx
Classification: Uncertain significance. Last evaluated: 2022-01-08. Review status: criteria provided, single submitter. Criteria: GeneDx Variant Classification Process June 2021. Collection method: clinical testing. Allele origin: germline. Affected: yes.
Comment: Not observed at significant frequency in large population cohorts (gnomAD); Located in a region that tolerates variation and lacks pathogenic variants; Has not been previously published as pathogenic or benign to our knowledge

NM_020706.2(SCAF4):c.-4G>A

Genes: SCAF4 (SR-related CTD associated factor 4; minus strand), LOC130066536 (ATAC-STARR-seq lymphoblastoid silent region 13243; plus strand). Cytogenetic location: 21q22.11.
Variant type: single nucleotide variant.
Coding change: c.-4G>A on transcript NM_020706.2 (MANE Select); 4 bases upstream of the start codon, G replaced by A.
Molecular consequence: 5 prime UTR variant.
Genome position (GRCh38, 1-based): chr21:31,731,696, C>T on the plus strand (G>A on the coding strand, the complement: SCAF4 is on the minus strand). VCF-style: chr21-31731696-C-T. GRCh37 (hg19) VCF-style: chr21-33104009-C-T.
Other names: c.-4G>A (NM_001145444.1, NM_001145445.1).
Identifiers: ClinVar variation 1695592 (VCV001695592.2), dbSNP rs2123712483, ClinGen allele CA2580098543.